The following is an entry in ClinVar:

ClinVar aggregate classification (germline): Likely pathogenic (1 of 4 stars; one submission).

Conditions:
Familial thoracic aortic aneurysm and aortic dissection (TAAD). Also called: Thoracic aortic aneurysms and dissections. Identifiers: Orphanet 91387, MedGen C4707243, MONDO:0019625.

Submission:

Ambry Genetics
Classification: Likely pathogenic for Familial thoracic aortic aneurysm and aortic dissection. Last evaluated: 2016-08-01. Review status: criteria provided, single submitter. Criteria: Ambry Variant Classification Scheme 2023. Collection method: clinical testing. Allele origin: germline.
Comment: The c.5542_5545+11del15 intronic variant results from a deletion of 15 nucleotides at positions c.5542 to c.5545+11 in the FBN1 gene. This deletion spans the canonical splice donor site of coding exon 44. This variant was not reported in population-based cohorts in the following databases: Database of Single Nucleotide Polymorphisms (dbSNP), NHLBI Exome Sequencing Project (ESP) and 1000 Genomes Project. The deleted nucleotide positions are somewhat well conserved in available vertebrate species. Using the BDGP and ESEfinder splice site prediction tools, this alteration is predicted to abolish the native splice donor site; however, direct experimental evidence is unavailable. Alterations that disrupt the canonical splice site are expected to cause aberrant splicing, resulting in an abnormal protein or a transcript that is subject to nonsense-mediated mRNA decay. As such, this alteration is classified as likely pathogenic.

NM_000138.5(FBN1):c.5542_5545+11del

Gene: FBN1 (fibrillin 1; minus strand). Cytogenetic location: 15q21.1.
Variant type: Deletion.
Coding change: c.5542_5545+11del on transcript NM_000138.5 (MANE Select); coding-DNA position 5542 through 11 bases into the intron after coding-DNA position 5545, 15 bases deleted (AATGGTATGTAGTGC).
Molecular consequence: splice donor variant.
Genome position (GRCh38, 1-based): chr15:48,452,551-48,452,565, GCACTACATACCATT deleted on the plus strand (AATGGTATGTAGTGC on the coding strand, the reverse complement: FBN1 is on the minus strand); deleting any 15 consecutive bases within chr15:48,452,551-48,452,570 gives the same sequence; the c. name uses the placement nearest the transcript's 3' end. VCF-style (leftmost placement, unchanged base first): chr15-48452550-GGCACTACATACCATT-G. GRCh37 (hg19) VCF-style: chr15-48744747-GGCACTACATACCATT-G.
Identifiers: ClinVar variation 1748205 (VCV001748205.2), dbSNP rs2505470327, ClinGen allele CA2580089568.
Genomic context (GRCh38, chr15:48,452,550, plus strand): 5'-AATCCAGATATCTGAAGCTTCATGAAGACAAACTCTTGGGTAGGCATGTCCAGCCTGTGG[GGCACTACATACCATT>G]GCACTGTCCTGTGGAGGTGAAGCGGTAGCCGGGCTTACAGTCACAGCGGTAGCTGCCTGC-3'